The following is an entry in ClinVar:

ClinVar aggregate classification (germline): Uncertain significance (1 of 4 stars; one submission).

Conditions:
Angelman syndrome-like. Identifiers: MedGen CN128785.
Developmental and epileptic encephalopathy, 2 (DEE2). Also called: INFANTILE SPASM SYNDROME, X-LINKED 2; CDKL5 deficiency disorder. Identifiers: Orphanet 1934, Orphanet 3451, Orphanet 505652, MedGen C4750718, MONDO:0010396, OMIM 300672.

Submission:

Labcorp Genetics (formerly Invitae), Labcorp
Classification: Uncertain significance for Developmental and epileptic encephalopathy, 2; Angelman syndrome-like. Last evaluated: 2021-05-26. Review status: criteria provided, single submitter. Criteria: Invitae Variant Classification Sherloc (09022015). Collection method: clinical testing. Allele origin: germline.
Comment: In summary, the available evidence is currently insufficient to determine the role of this variant in disease. Therefore, it has been classified as a Variant of Uncertain Significance. Advanced modeling of protein sequence and biophysical properties (such as structural, functional, and spatial information, amino acid conservation, physicochemical variation, residue mobility, and thermodynamic stability) performed at Invitae indicates that this missense variant is not expected to disrupt CDKL5 protein function. This variant has not been reported in the literature in individuals with CDKL5-related conditions. This variant is not present in population databases (ExAC no frequency). This sequence change replaces asparagine with serine at codon 399 of the CDKL5 protein (p.Asn399Ser). The asparagine residue is highly conserved and there is a small physicochemical difference between asparagine and serine.

NM_001323289.2(CDKL5):c.1196A>G (p.Asn399Ser)

Gene: CDKL5 (cyclin dependent kinase like 5; plus strand). Cytogenetic location: Xp22.13.
Variant type: single nucleotide variant.
Coding change: c.1196A>G on transcript NM_001323289.2 (MANE Select); coding-DNA position 1196, A replaced by G.
Protein change: p.Asn399Ser; replaces asparagine 399 with serine.
Molecular consequence: missense variant.
Genome position (GRCh38, 1-based): chrX:18,604,120, A>G. VCF-style: chrX-18604120-A-G. GRCh37 (hg19) VCF-style: chrX-18622240-A-G.
Other names: c.1196A>G, p.Asn399Ser (NM_001037343.2, NM_003159.3); short protein forms N399S.
Identifiers: ClinVar variation 1492134 (VCV001492134.8), dbSNP rs267608611, ClinGen allele CA412359882.